The following is an entry in ClinVar:

ClinVar aggregate classification (germline): Uncertain significance (1 of 4 stars; one submission).

Submission:

GeneDx
Classification: Uncertain significance. Last evaluated: 2025-05-08. Review status: criteria provided, single submitter. Criteria: GeneDx Variant Classification Process June 2021. Collection method: clinical testing. Allele origin: germline. Affected: yes.
Comment: Not observed at significant frequency in large population cohorts (gnomAD); In silico analysis supports that this missense variant has a deleterious effect on protein structure/function; Has not been previously published as pathogenic or benign to our knowledge

NM_153717.3(EVC):c.782T>C (p.Ile261Thr)

Gene: EVC (EvC ciliary complex subunit 1; plus strand). Cytogenetic location: 4p16.2.
Variant type: single nucleotide variant.
Coding change: c.782T>C on transcript NM_153717.3 (MANE Select); coding-DNA position 782, T replaced by C.
Protein change: p.Ile261Thr; replaces isoleucine 261 with threonine.
Molecular consequence: missense variant.
Genome position (GRCh38, 1-based): chr4:5,741,795, T>C. VCF-style: chr4-5741795-T-C. GRCh37 (hg19) VCF-style: chr4-5743522-T-C.
Other names: c.782T>C, p.Ile261Thr (NM_001306090.2, NM_001306092.2); short protein forms I261T.
Identifiers: ClinVar variation 4527927 (VCV004527927.1).